The following is an entry in ClinVar:

ClinVar aggregate classification (germline): Uncertain significance (1 of 4 stars; one submission).

Conditions:
Cardiovascular phenotype. Identifiers: MedGen CN230736.

Submission:

Ambry Genetics
Classification: Uncertain significance for Cardiovascular phenotype. Last evaluated: 2020-10-14. Review status: criteria provided, single submitter. Criteria: Ambry Variant Classification Scheme 2023. Collection method: clinical testing. Allele origin: germline.
Comment: The c.3392_3394delCCA variant (also known as p.T1131del) is located in coding exon 19 of the SCN10A gene. This variant results from an in-frame CCA deletion at nucleotide positions 3392 to 3394. This results in the in-frame deletion of a threonine at codon 1131. This amino acid position is poorly conserved in available vertebrate species. Since supporting evidence is limited at this time, the clinical significance of this alteration remains unclear.

NM_006514.4(SCN10A):c.3389CCA[1] (p.Thr1131del)

Genes: SCN10A (sodium voltage-gated channel alpha subunit 10; minus strand), LOC110121288 (VISTA enhancer hs2268; plus strand). Cytogenetic location: 3p22.2.
Variant type: Microsatellite.
Coding change: c.3389CCA[1] on transcript NM_006514.4 (MANE Select); one copy of the 3-base unit CCA starting at c.3389; the reference has two copies in a row; one copy, 3 bases deleted.
Protein change: p.Thr1131del; deletes threonine 1131.
Molecular consequence: inframe deletion.
Genome position (GRCh38, 1-based): chr3:38,722,371-38,722,373, TGG deleted on the plus strand (CCA on the coding strand, the reverse complement: SCN10A is on the minus strand); deleting any 3 consecutive bases within chr3:38,722,371-38,722,377 gives the same sequence; the position shown is the placement nearest the transcript's 3' end. VCF-style (leftmost placement, unchanged base first): chr3-38722370-TTGG-T. GRCh37 (hg19) VCF-style: chr3-38763861-TTGG-T.
Other names: c.3386CCA[1], p.Thr1130del (NM_001293306.2); c.3095CCA[1], p.Thr1033del (NM_001293307.2); short protein forms T1131del, T1033del, T1130del.
Identifiers: ClinVar variation 1730917 (VCV001730917.2), dbSNP rs2470647479, ClinGen allele CA2580614212.